The following is an entry in ClinVar:

NM_007294.4(BRCA1):c.547G>A (p.Gly183Arg)

Gene: BRCA1 (BRCA1 DNA repair associated; minus strand). Cytogenetic location: 17q21.31.
Variant type: single nucleotide variant.
Coding change: c.547G>A on transcript NM_007294.4 (MANE Select); coding-DNA position 547, G replaced by A.
Protein change: p.Gly183Arg; replaces glycine 183 with arginine.
Molecular consequence: missense variant. On other transcripts: non-coding transcript variant (1).
Genome position (GRCh38, 1-based): chr17:43,099,775, C>T on the plus strand (G>A on the coding strand, the complement: BRCA1 is on the minus strand). VCF-style: chr17-43099775-C-T. GRCh37 (hg19) VCF-style: chr17-41251792-C-T.
Other names: c.334G>A, p.Gly112Arg (NM_001407571.1, NM_001407853.1, NM_001407894.1 and 12 more transcripts); c.547G>A, p.Gly183Arg (NM_001407581.1, NM_001407582.1, NM_001407583.1 and 59 more transcripts); c.544G>A, p.Gly182Arg (NM_001407587.1, NM_001407590.1, NM_001407591.1 and 41 more transcripts); c.538G>A, p.Gly180Arg (NM_001407646.1, NM_001407647.1, NM_001408408.1); c.547G>A, p.Ala183Thr (NM_001407648.1, NM_001407664.1, NM_001407665.1 and 34 more transcripts); c.544G>A, p.Ala182Thr (NM_001407649.1, NM_001407670.1, NM_001407671.1 and 20 more transcripts); c.469G>A, p.Gly157Arg (NM_001407653.1, NM_001407654.1, NM_001407655.1 and 9 more transcripts); c.466G>A, p.Gly156Arg (NM_001407659.1, NM_001407660.1, NM_001407661.1 and 3 more transcripts); and 16 more; short protein forms A156T, A157T, G113R, G180R, G183R, A135T, A136T, A182T.
Identifiers: ClinVar variation 1747791 (VCV001747791.3), dbSNP rs1135401931, ClinGen allele CA10601044.

ClinVar aggregate classification (germline): Uncertain significance (1 of 4 stars; one submission).

Conditions:
Hereditary cancer-predisposing syndrome. Also called: Tumor predisposition; Hereditary Cancer Syndrome; Hereditary neoplastic syndrome; Neoplastic Syndromes, Hereditary. Identifiers: Orphanet 140162, MedGen C0027672, MeSH D009386, MONDO:0015356.

Submission:

Ambry Genetics
Classification: Uncertain significance for Hereditary cancer-predisposing syndrome. Last evaluated: 2026-02-10. Review status: criteria provided, single submitter. Criteria: Ambry Variant Classification Scheme 2023. Collection method: clinical testing. Allele origin: germline.
Comment: The c.547G>A variant (also known as p.G183R), located in coding exon 6 of the BRCA1 gene, results from a G to A substitution at nucleotide position 547. The glycine at codon 183 is replaced with arginine, an amino acid with dissimilar properties. However, this change occurs in the last base pair of coding exon 6, which makes it likely to have some effect on normal mRNA splicing. This nucleotide position is highly conserved in available vertebrate species. This amino acid position is well conserved in available vertebrate species. In silico splice site analysis predicts that this alteration may weaken the native splice donor site. In addition, as a missense substitution this is predicated to be inconclusive by in silico analysis. Based on the available evidence, the clinical significance of this variant remains unclear.